The following is an entry in ClinVar:

ClinVar aggregate classification (germline): Pathogenic (1 of 4 stars; one submission).

Allele frequency attached by ClinVar (database versions not stated): gnomAD exomes below 0.00001.

Submission:

Labcorp Genetics (formerly Invitae), Labcorp
Classification: Pathogenic. Last evaluated: 2023-09-21. Review status: criteria provided, single submitter. Criteria: Invitae Variant Classification Sherloc (09022015). Collection method: clinical testing. Allele origin: germline.
Comment: For these reasons, this variant has been classified as Pathogenic. ClinVar contains an entry for this variant (Variation ID: 1451792). This variant has not been reported in the literature in individuals affected with SLC12A3-related conditions. This variant is not present in population databases (gnomAD no frequency). This sequence change creates a premature translational stop signal (p.Val603Serfs*8) in the SLC12A3 gene. It is expected to result in an absent or disrupted protein product. Loss-of-function variants in SLC12A3 are known to be pathogenic (PMID: 20848653, 22009145, 25841442).

Literature cited by the submitters: PubMed 20848653; PubMed 22009145; PubMed 25841442.

NM_001126108.2(SLC12A3):c.1807del (p.Val603fs)

Gene: SLC12A3 (solute carrier family 12 member 3; plus strand). Cytogenetic location: 16q13.
Variant type: Deletion.
Coding change: c.1807del on transcript NM_001126108.2 (MANE Select); coding-DNA position 1807, one base deleted (G; older notation c.1807delG).
Protein change: p.Val603fs; shifts the reading frame from valine 603.
Molecular consequence: frameshift variant.
Genome position (GRCh38, 1-based): chr16:56,884,186, G deleted. VCF-style (leftmost placement, unchanged base first): chr16-56884185-TG-T. GRCh37 (hg19) VCF-style: chr16-56918097-TG-T.
Other names: c.1807del, p.Val603fs (NM_000339.3); c.1804del, p.Val602fs (NM_001126107.2); short protein forms V603fs, V602fs.
Identifiers: ClinVar variation 1451792 (VCV001451792.7), dbSNP rs2144723620, ClinGen allele CA2573152367.